The following is an entry in ClinVar:

ClinVar aggregate classification (germline): Likely benign (1 of 4 stars; one submission).

Conditions:
Malignant hyperthermia, susceptibility to, 1 (MHS1). Also called: Anesthesia related hyperthermia; Malignant hyperpyrexia; Fulminating hyperpyrexia; Pharmacogenic myopathy; RYR1-Related Malignant Hyperthermia Susceptibility; Malignant hyperthermia suceptibility 1. Identifiers: Orphanet 423, MedGen C2930980, MONDO:0007783, OMIM 145600.

Submission:

All of Us Research Program, National Institutes of Health
Classification: Likely benign for Malignant hyperthermia, susceptibility to, 1. Last evaluated: 2023-05-30. Review status: criteria provided, single submitter. Criteria: ACMG Guidelines, 2015. Collection method: clinical testing. Allele origin: germline. Inheritance: Autosomal dominant inheritance. Observed: 1 variant allele, 1 heterozygote.
Comment: This study involves interpretation of variants in research participants for the purpose of population health screening. Participant phenotype was not available at the time of variant classification. Additional details can be found in publication PMID: 35346344, PMCID: PMC8962531

NM_000540.3(RYR1):c.9621G>A (p.Glu3207=)

Gene: RYR1 (ryanodine receptor 1; plus strand). Cytogenetic location: 19q13.2.
Variant type: single nucleotide variant.
Coding change: c.9621G>A on transcript NM_000540.3 (MANE Select); coding-DNA position 9621, G replaced by A.
Protein change: p.Glu3207=; no amino-acid change (glutamic acid 3207 retained).
Molecular consequence: synonymous variant.
Genome position (GRCh38, 1-based): chr19:38,516,153, G>A. VCF-style: chr19-38516153-G-A. GRCh37 (hg19) VCF-style: chr19-39006793-G-A.
Other names: c.9621G>A, p.Glu3207= (NM_001042723.2).
Identifiers: ClinVar variation 3071305 (VCV003071305.1), dbSNP rs1485497760, ClinGen allele CA507246960.